The following is an entry in ClinVar:

ClinVar aggregate classification (germline): Uncertain significance. Review status: criteria provided, multiple submitters, no conflicts (2 of 4 stars). 2 submissions from 2 submitters: Uncertain significance (2). Last evaluated 2025-05-02.

Conditions:
Fanconi anemia (FA). Also called: Fanconi's anemia. Identifiers: Orphanet 84, MedGen C0015625, MeSH D005199, MONDO:0019391.

Allele frequency attached by ClinVar (database versions not stated): gnomAD 0.00001; TOPMed 0.00001; gnomAD exomes 0.00002.
gnomAD v4.1: 32 of 1,613,396 alleles (0.002%); highest among the groups gnomAD compares: Non-Finnish European, 0.0027%; no homozygotes.

Submissions (2):

Quest Diagnostics Nichols Institute San Juan Capistrano
Classification: Uncertain significance. Last evaluated: 2025-05-02. Review status: criteria provided, single submitter. Criteria: Quest Diagnostics criteria. Collection method: clinical testing. Allele origin: unknown.
Comment: The FANCA c.1712C>T (p.Ala571Val) variant has been reported in the published literature in individuals with ovarian cancer (PMID: 32546565 (2021), 24448499 (2014)). The frequency of this variant in the general population (Genome Aggregation Database) is uninformative in the assessment of its pathogenicity. Analysis of this variant using bioinformatics tools for the prediction of the effect of amino acid changes on protein structure and function yielded predictions that this variant is damaging. Additional analysis using software algorithms for the prediction of the effect of nucleotide changes on FANCA mRNA splicing yielded predictions that this variant may result in the gain of a cryptic splice site without affecting the natural splice sites. Based on the available information, we are unable to determine the clinical significance of this variant.

Labcorp Genetics (formerly Invitae), Labcorp
Classification: Uncertain significance for Fanconi anemia. Last evaluated: 2022-04-17. Review status: criteria provided, single submitter. Criteria: Invitae Variant Classification Sherloc (09022015). Collection method: clinical testing. Allele origin: germline.
Comment: This sequence change replaces alanine, which is neutral and non-polar, with valine, which is neutral and non-polar, at codon 571 of the FANCA protein (p.Ala571Val). This variant is present in population databases (rs749903896, gnomAD 0.007%). This variant has not been reported in the literature in individuals affected with FANCA-related conditions. Advanced modeling of protein sequence and biophysical properties (such as structural, functional, and spatial information, amino acid conservation, physicochemical variation, residue mobility, and thermodynamic stability) performed at Invitae indicates that this missense variant is expected to disrupt FANCA protein function. Algorithms developed to predict the effect of sequence changes on RNA splicing suggest that this variant may create or strengthen a splice site. In summary, the available evidence is currently insufficient to determine the role of this variant in disease. Therefore, it has been classified as a Variant of Uncertain Significance.

Literature cited by the submitters: PubMed 32546565 (cited by Quest Diagnostics Nichols Institute San Juan Capistrano); PubMed 24448499 (cited by Quest Diagnostics Nichols Institute San Juan Capistrano).

NM_000135.4(FANCA):c.1712C>T (p.Ala571Val)

Gene: FANCA (FA complementation group A; minus strand). Cytogenetic location: 16q24.3.
Variant type: single nucleotide variant.
Coding change: c.1712C>T on transcript NM_000135.4 (MANE Select); coding-DNA position 1712, C replaced by T.
Protein change: p.Ala571Val; replaces alanine 571 with valine.
Molecular consequence: missense variant.
Genome position (GRCh38, 1-based): chr16:89,779,872, G>A on the plus strand (C>T on the coding strand, the complement: FANCA is on the minus strand). VCF-style: chr16-89779872-G-A. GRCh37 (hg19) VCF-style: chr16-89846280-G-A.
Other names: c.1712C>T, p.Ala571Val (NM_001286167.3); c.1712C>T (NM_000135.3); short protein forms A571V.
Identifiers: ClinVar variation 2072706 (VCV002072706.2), dbSNP rs749903896, ClinGen allele CA286575339.
Genomic context (GRCh38, chr16:89,779,872, plus strand): 5'-AGAGCGCGGTCTGCACACACTGCAGCTGCTAGAGGCCTTTTCGGCAGCCCAGCCTACCTG[G>A]CCTCCATGACGGTGACTGGGATGTTCCCCGTATGCTCAAACACCATGATGGCCTTTTCAA-3'
Protein context (NP_000126.2, residues 561-581): TGNIPVTVME[Ala571Val]SIFRRPYYVS